The following is an entry in ClinVar:

ClinVar aggregate classification (germline): Uncertain significance (1 of 4 stars; one submission).

Submission:

Labcorp Genetics (formerly Invitae), Labcorp
Classification: Uncertain significance. Last evaluated: 2022-12-11. Review status: criteria provided, single submitter. Criteria: Invitae Variant Classification Sherloc (09022015). Collection method: clinical testing. Allele origin: germline.
Comment: In summary, the available evidence is currently insufficient to determine the role of this variant in disease. Therefore, it has been classified as a Variant of Uncertain Significance. Algorithms developed to predict the effect of missense changes on protein structure and function are either unavailable or do not agree on the potential impact of this missense change (SIFT: "Deleterious"; PolyPhen-2: "Possibly Damaging"; Align-GVGD: "Class C0"). This variant has not been reported in the literature in individuals affected with MICAL1-related conditions. This sequence change replaces leucine, which is neutral and non-polar, with valine, which is neutral and non-polar, at codon 189 of the MICAL1 protein (p.Leu189Val). This variant is not present in population databases (gnomAD no frequency).

NM_022765.4(MICAL1):c.508C>G (p.Leu170Val)

Gene: MICAL1 (microtubule associated monooxygenase, calponin and LIM domain containing 1; minus strand). Cytogenetic location: 6q21.
Variant type: single nucleotide variant.
Coding change: c.508C>G on transcript NM_022765.4 (MANE Select); coding-DNA position 508, C replaced by G.
Protein change: p.Leu170Val; replaces leucine 170 with valine.
Molecular consequence: missense variant.
Genome position (GRCh38, 1-based): chr6:109,453,326, G>C on the plus strand (C>G on the coding strand, the complement: MICAL1 is on the minus strand). VCF-style: chr6-109453326-G-C. GRCh37 (hg19) VCF-style: chr6-109774529-G-C.
Other names: c.508C>G, p.Leu170Val (NM_001159291.2); c.565C>G, p.Leu189Val (NM_001286613.2); short protein forms L170V, L189V.
Identifiers: ClinVar variation 2820141 (VCV002820141.3), dbSNP rs202134835, ClinGen allele CA145122765.